The following is an entry in ClinVar:

ClinVar aggregate classification (germline): Likely pathogenic (1 of 4 stars; one submission).

Conditions:
Glycogen storage disease, type V (GSD5). Also called: MCARDLE DISEASE; MUSCLE GLYCOGEN PHOSPHORYLASE DEFICIENCY; MYOPHOSPHORYLASE DEFICIENCY; PYGM DEFICIENCY; McArdle type glycogen storage disease. Identifiers: Orphanet 368, MedGen C0017924, MONDO:0009293, OMIM 232600.

Submission:

Labcorp Genetics (formerly Invitae), Labcorp
Classification: Likely pathogenic for Glycogen storage disease, type V. Last evaluated: 2022-06-16. Review status: criteria provided, single submitter. Criteria: Invitae Variant Classification Sherloc (09022015). Collection method: clinical testing. Allele origin: germline.
Comment: ClinVar contains an entry for this variant (Variation ID: 1067480). This variant has not been reported in the literature in individuals affected with PYGM-related conditions. This variant is not present in population databases (gnomAD no frequency). This sequence change affects an acceptor splice site in intron 6 of the PYGM gene. It is expected to disrupt RNA splicing. Variants that disrupt the donor or acceptor splice site typically lead to a loss of protein function (PMID: 16199547), and loss-of-function variants in PYGM are known to be pathogenic (PMID: 8316268, 16786513). In summary, the currently available evidence indicates that the variant is pathogenic, but additional data are needed to prove that conclusively. Therefore, this variant has been classified as Likely Pathogenic. Algorithms developed to predict the effect of sequence changes on RNA splicing suggest that this variant may disrupt the consensus splice site.

Literature cited by the submitters: PubMed 16199547; PubMed 8316268; PubMed 16786513.

NM_005609.4(PYGM):c.773-1G>C

Gene: PYGM (glycogen phosphorylase, muscle associated; minus strand). Cytogenetic location: 11q13.1.
Variant type: single nucleotide variant.
Coding change: c.773-1G>C on transcript NM_005609.4 (MANE Select); the canonical splice acceptor site of the intron before coding-DNA position 773, G replaced by C.
Molecular consequence: splice acceptor variant.
Genome position (GRCh38, 1-based): chr11:64,755,356, C>G on the plus strand (G>C on the coding strand, the complement: PYGM is on the minus strand). VCF-style: chr11-64755356-C-G. GRCh37 (hg19) VCF-style: chr11-64522828-C-G.
Other names: c.509-1G>C (NM_001164716.1).
Identifiers: ClinVar variation 1067480 (VCV001067480.7), dbSNP rs2135836264, ClinGen allele CA381179938.